The following is an entry in ClinVar:

NM_006648.4(WNK2):c.413C>A (p.Ala138Asp)

Gene: WNK2 (WNK lysine deficient protein kinase 2; plus strand). Cytogenetic location: 9q22.31.
Variant type: single nucleotide variant.
Coding change: c.413C>A on transcript NM_006648.4 (MANE Select); coding-DNA position 413, C replaced by A.
Protein change: p.Ala138Asp; replaces alanine 138 with aspartic acid.
Molecular consequence: missense variant.
Genome position (GRCh38, 1-based): chr9:93,185,342, C>A. VCF-style: chr9-93185342-C-A. GRCh37 (hg19) VCF-style: chr9-95947624-C-A.
Other names: c.413C>A, p.Ala138Asp (NM_001282394.3); short protein forms A138D.
Identifiers: ClinVar variation 3816924 (VCV003816924.1).

ClinVar aggregate classification (germline): Uncertain significance (1 of 4 stars; one submission).

gnomAD v4.1: 1 of 1,543,538 alleles (0.000065%); highest among the groups gnomAD compares: Non-Finnish European, 0.000087%; no homozygotes.

Submission:

Ambry Genetics
Classification: Uncertain significance. Last evaluated: 2025-01-25. Review status: criteria provided, single submitter. Criteria: Ambry Variant Classification Scheme 2023. Collection method: clinical testing. Allele origin: germline.
Comment: The p.A138D variant (also known as c.413C>A), located in coding exon 1 of the WNK2 gene, results from a C to A substitution at nucleotide position 413. The alanine at codon 138 is replaced by aspartic acid, an amino acid with dissimilar properties. This amino acid position is conserved. In addition, this alteration is predicted to be tolerated by in silico analysis. Based on the available evidence, the clinical significance of this variant remains unclear.